The following is an entry in ClinVar:

NM_000548.5(TSC2):c.2630A>G (p.Asn877Ser)

Gene: TSC2 (TSC complex subunit 2; plus strand). Cytogenetic location: 16p13.3.
Variant type: single nucleotide variant.
Coding change: c.2630A>G on transcript NM_000548.5 (MANE Select); coding-DNA position 2630, A replaced by G.
Protein change: p.Asn877Ser; replaces asparagine 877 with serine.
Molecular consequence: missense variant.
Genome position (GRCh38, 1-based): chr16:2,075,883, A>G. VCF-style: chr16-2075883-A-G. GRCh37 (hg19) VCF-style: chr16-2125884-A-G.
Other names: c.2630A>G, p.Asn877Ser (NM_001077183.3, NM_001114382.3, NM_001363528.2 and 3 more transcripts); c.2519A>G, p.Asn840Ser (NM_001318827.2); c.2483A>G, p.Asn828Ser (NM_001318829.2); c.2030A>G, p.Asn677Ser (NM_001318831.2); c.2663A>G, p.Asn888Ser (NM_001318832.2); short protein forms N877S, N840S, N677S, N888S, N828S.
Identifiers: ClinVar variation 572415 (VCV000572415.19), dbSNP rs1567482364, ClinGen allele CA394278469.

ClinVar aggregate classification (germline): Uncertain significance. Review status: criteria provided, multiple submitters, no conflicts (2 of 4 stars). 4 submissions from 4 submitters: Uncertain significance (4). Last evaluated 2025-10-28.

Conditions:
Hereditary cancer-predisposing syndrome. Also called: Hereditary neoplastic syndrome; Neoplastic Syndromes, Hereditary; Hereditary Cancer Syndrome; Tumor predisposition. Identifiers: Orphanet 140162, MedGen C0027672, MeSH D009386, MONDO:0015356.
Tuberous sclerosis syndrome (TSC). Also called: Tuberous sclerosis; Tuberous Sclerosis Complex. Identifiers: Orphanet 805, MedGen C0041341, MONDO:0001734.
Tuberous sclerosis 2 (TSC2). Identifiers: Orphanet 805, MedGen C1860707, MONDO:0013199, OMIM 613254.

Allele frequency attached by ClinVar (database versions not stated): gnomAD exomes below 0.00001.
gnomAD v4.1: 1 of 1,612,898 alleles (0.000062%); highest among the groups gnomAD compares: Non-Finnish European, 0.000085%; no homozygotes.

Submissions (4):

Labcorp Genetics (formerly Invitae), Labcorp
Classification: Uncertain significance for Tuberous sclerosis 2. Last evaluated: 2025-10-28. Review status: criteria provided, single submitter. Criteria: Invitae Variant Classification Sherloc (09022015). Collection method: clinical testing. Allele origin: germline.
Comment: This sequence change replaces asparagine, which is neutral and polar, with serine, which is neutral and polar, at codon 877 of the TSC2 protein (p.Asn877Ser). This variant is not present in population databases (gnomAD no frequency). This variant has not been reported in the literature in individuals affected with TSC2-related conditions. ClinVar contains an entry for this variant (Variation ID: 572415). Invitae Evidence Modeling of protein sequence and biophysical properties (such as structural, functional, and spatial information, amino acid conservation, physicochemical variation, residue mobility, and thermodynamic stability) indicates that this missense variant is not expected to disrupt TSC2 protein function with a negative predictive value of 95%. In summary, the available evidence is currently insufficient to determine the role of this variant in disease. Therefore, it has been classified as a Variant of Uncertain Significance.

Ambry Genetics
Classification: Uncertain significance for Hereditary cancer-predisposing syndrome. Last evaluated: 2025-06-09. Review status: criteria provided, single submitter. Criteria: Ambry Variant Classification Scheme 2023. Collection method: clinical testing. Allele origin: germline.
Comment: The p.N877S variant (also known as c.2630A>G), located in coding exon 22 of the TSC2 gene, results from an A to G substitution at nucleotide position 2630. The asparagine at codon 877 is replaced by serine, an amino acid with highly similar properties. This amino acid position is highly conserved in available vertebrate species. In addition, the in silico prediction for this alteration is inconclusive. Since supporting evidence is limited at this time, the clinical significance of this alteration remains unclear.

All of Us Research Program, National Institutes of Health
Classification: Uncertain significance for Tuberous sclerosis syndrome. Last evaluated: 2024-06-09. Review status: criteria provided, single submitter. Criteria: ACMG Guidelines, 2015. Collection method: clinical testing. Allele origin: germline. Inheritance: Autosomal dominant inheritance. Observed: 1 variant allele, 1 heterozygote.
Comment: This missense variant replaces asparagine with serine at codon 877 of the TSC2 protein. Computational prediction suggests that this variant may have deleterious impact on protein structure and function (internally defined REVEL score threshold >= 0.7, PMID: 27666373). To our knowledge, functional studies have not been reported for this variant. This variant has not been reported in individuals affected with TSC2-related disorders in the literature. This variant has not been identified in the general population by the Genome Aggregation Database (gnomAD). The available evidence is insufficient to determine the role of this variant in disease conclusively. Therefore, this variant is classified as a Variant of Uncertain Significance.

This study involves interpretation of variants in research participants for the purpose of population health screening. Participant phenotype was not available at the time of variant classification. Additional details can be found in publication PMID: 35346344, PMCID: PMC8962531

Genome-Nilou Lab
Classification: Uncertain significance for Tuberous sclerosis 2. Last evaluated: 2021-11-07. Review status: criteria provided, single submitter. Criteria: ACMG Guidelines, 2015. Collection method: clinical testing. Allele origin: germline. Affected: no.